The following is an entry in ClinVar:

ClinVar aggregate classification (germline): Likely benign (0 of 4 stars; one submission).

Conditions:
SOX1-related disorder. Also called: SOX1-related condition.

Submission:

PreventionGenetics, part of Exact Sciences
Classification: Likely benign for SOX1-related condition. Last evaluated: 2021-03-09. Review status: no assertion criteria provided. Collection method: clinical testing. Allele origin: germline.
Comment: This variant is classified as likely benign based on ACMG/AMP sequence variant interpretation guidelines (Richards et al. 2015 PMID: 25741868, with internal and published modifications).

NM_005986.3(SOX1):c.119_130del (p.Gly40_Gly43del)

Genes: SOX1 (SRY-box transcription factor 1; plus strand), SOX1-OT (SOX1 overlapping transcript; plus strand). Cytogenetic location: 13q34.
Variant type: Deletion.
Coding change: c.119_130del on transcript NM_005986.3 (MANE Select); coding-DNA positions 119 to 130, 12 bases deleted (GCGGCGGGGGCG).
Protein change: p.Gly40_Gly43del.
Genome position (GRCh38, 1-based): chr13:112,067,777-112,067,788, GCGGCGGGGGCG deleted; deleting any 12 consecutive bases within chr13:112,067,773-112,067,788 gives the same sequence; the c. name uses the placement nearest the transcript's 3' end. VCF-style (leftmost placement, unchanged base first): chr13-112067772-CGGCGGCGGCGGG-C. GRCh37 (hg19) VCF-style: chr13-112722086-CGGCGGCGGCGGG-C.
Identifiers: ClinVar variation 3035921 (VCV003035921.2), dbSNP rs751660680, ClinGen allele CA7054667.